The following is an entry in ClinVar:

NM_182641.4(BPTF):c.4887_4889del (p.Thr1631del)

Gene: BPTF (bromodomain PHD finger transcription factor; plus strand). Cytogenetic location: 17q24.2.
Variant type: Deletion.
Coding change: c.4887_4889del on transcript NM_182641.4 (MANE Select); coding-DNA positions 4887 to 4889, 3 bases deleted (TAC; older notation c.4887_4889delTAC).
Protein change: p.Thr1631del; deletes threonine 1631.
Molecular consequence: inframe deletion.
Genome position (GRCh38, 1-based): chr17:67,912,771-67,912,773, TAC deleted; deleting any 3 consecutive bases within chr17:67,912,769-67,912,773 gives the same sequence; the c. name uses the placement nearest the transcript's 3' end. VCF-style (leftmost placement, unchanged base first): chr17-67912768-CACT-C. GRCh37 (hg19) VCF-style: chr17-65908884-CACT-C.
Other names: c.5265_5267del, p.Thr1757del (NM_004459.7); short protein forms T1631del, T1757del.
Identifiers: ClinVar variation 2068241 (VCV002068241.7), dbSNP rs764167122, ClinGen allele CA8725879.

ClinVar aggregate classification (germline): Conflicting classifications of pathogenicity. Review status: criteria provided, conflicting classifications (1 of 4 stars). 3 submissions from 3 submitters: Uncertain significance (1); Likely benign (1). 1 of the submissions does not count toward it. Last evaluated 2025-12-08.

Conditions:
BPTF-related disorder. Also called: BPTF-related condition.
Inborn genetic diseases. Identifiers: MedGen C0950123, MeSH D030342.

Submissions (3):

Labcorp Genetics (formerly Invitae), Labcorp
Classification: Uncertain significance. Last evaluated: 2025-12-08. Review status: criteria provided, single submitter. Criteria: Invitae Variant Classification Sherloc (09022015). Collection method: clinical testing. Allele origin: germline.
Comment: This variant, c.5265_5267del, results in the deletion of 1 amino acid(s) of the BPTF protein (p.Thr1757del), but otherwise preserves the integrity of the reading frame. This variant is present in population databases (rs764167122, gnomAD 0.02%). This variant has not been reported in the literature in individuals affected with BPTF-related conditions. ClinVar contains an entry for this variant (Variation ID: 2068241). Experimental studies and prediction algorithms are not available or were not evaluated, and the functional significance of this variant is currently unknown. In summary, the available evidence is currently insufficient to determine the role of this variant in disease. Therefore, it has been classified as a Variant of Uncertain Significance.

Ambry Genetics
Classification: Likely benign for Inborn genetic diseases. Last evaluated: 2021-12-28. Review status: criteria provided, single submitter. Criteria: Ambry Variant Classification Scheme 2023. Collection method: clinical testing. Allele origin: germline.

PreventionGenetics, part of Exact Sciences
Classification: Likely benign for BPTF-related condition. Last evaluated: 2021-02-15. Review status: no assertion criteria provided. Collection method: clinical testing. Allele origin: germline. Not counted in ClinVar's aggregate classification.
Comment: This variant is classified as likely benign based on ACMG/AMP sequence variant interpretation guidelines (Richards et al. 2015 PMID: 25741868, with internal and published modifications).